The following is an entry in ClinVar:

ClinVar aggregate classification (germline): Conflicting classifications of pathogenicity. Review status: criteria provided, conflicting classifications (1 of 4 stars). 4 submissions from 4 submitters: Pathogenic (1); Likely pathogenic (1); Uncertain significance (1). 1 of the submissions does not count toward it. Last evaluated 2024-11-26.

Conditions:
ABCA4-related disorder. Also called: ABCA4-related disorders; ABCA4-related condition. Identifiers: MedGen CN239167.

Allele frequency attached by ClinVar (database versions not stated): TOPMed below 0.00001; gnomAD 0.00001; gnomAD exomes 0.00001.
gnomAD v4.1: 13 of 1,613,998 alleles (0.00081%); highest among the groups gnomAD compares: African/African-American, 0.0013%; no homozygotes.

Submissions (4):

GeneDx
Classification: Uncertain significance. Last evaluated: 2024-11-26. Review status: criteria provided, single submitter. Criteria: GeneDx Variant Classification Process June 2021. Collection method: clinical testing. Allele origin: germline. Affected: yes.
Comment: Not observed at significant frequency in large population cohorts (gnomAD); In silico analysis supports that this missense variant has a deleterious effect on protein structure/function; This variant is associated with the following publications: (PMID: 23953153, 35120629, 31964843, 31963381, 19324865, 20398653, 25139735, 21911583, 34874912)

Labcorp Genetics (formerly Invitae), Labcorp
Classification: Likely pathogenic. Last evaluated: 2024-07-01. Review status: criteria provided, single submitter. Criteria: Invitae Variant Classification Sherloc (09022015). Collection method: clinical testing. Allele origin: germline.
Comment: This sequence change replaces lysine, which is basic and polar, with threonine, which is neutral and polar, at codon 346 of the ABCA4 protein (p.Lys346Thr). This variant is present in population databases (rs61752389, gnomAD 0.0009%). This missense change has been observed in individual(s) with clinical features of ABCA4-related conditions (PMID: 23953153, 26230768, 26551331, 35120629). ClinVar contains an entry for this variant (Variation ID: 99028). Advanced modeling of protein sequence and biophysical properties (such as structural, functional, and spatial information, amino acid conservation, physicochemical variation, residue mobility, and thermodynamic stability) performed at Invitae indicates that this missense variant is expected to disrupt ABCA4 protein function with a positive predictive value of 95%. In summary, the currently available evidence indicates that the variant is pathogenic, but additional data are needed to prove that conclusively. Therefore, this variant has been classified as Likely Pathogenic.

Blueprint Genetics
Classification: Pathogenic for ABCA4-related disorders. Last evaluated: 2021-12-27. Review status: criteria provided, single submitter. Criteria: ACMG Guidelines, 2015. Collection method: clinical testing. Allele origin: germline. Affected: yes. Observed: 4 variant alleles.

Retina International
No classification provided. Review status: no classification provided. Collection method: not provided. Allele origin: not provided. Not counted in ClinVar's aggregate classification.

Literature cited by the submitters: PubMed 23953153 (cited by Labcorp Genetics (formerly Invitae), Labcorp); PubMed 26230768 (cited by Labcorp Genetics (formerly Invitae), Labcorp); PubMed 26551331 (cited by Labcorp Genetics (formerly Invitae), Labcorp); PubMed 35120629 (cited by Labcorp Genetics (formerly Invitae), Labcorp).

NM_000350.3(ABCA4):c.1037A>C (p.Lys346Thr)

Gene: ABCA4 (ATP binding cassette subfamily A member 4; minus strand). Cytogenetic location: 1p22.1.
Variant type: single nucleotide variant.
Coding change: c.1037A>C on transcript NM_000350.3 (MANE Select); coding-DNA position 1037, A replaced by C.
Protein change: p.Lys346Thr; replaces lysine 346 with threonine.
Molecular consequence: missense variant.
Genome position (GRCh38, 1-based): chr1:94,080,540, T>G on the plus strand (A>C on the coding strand, the complement: ABCA4 is on the minus strand). VCF-style: chr1-94080540-T-G. GRCh37 (hg19) VCF-style: chr1-94546096-T-G.
Other names: c.1037A>C, p.Lys346Thr (NM_001425324.1); short protein forms K346T.
Identifiers: ClinVar variation 99028 (VCV000099028.13), dbSNP rs61752389, ClinGen allele CA226864.
Genomic context (GRCh38, chr1:94,080,540, plus strand): 5'-GTTCTTCTGTCATAAGAATAGATAGGATCCTTCCTTGTGGAGTCAATCCCCAGAAAGGCC[T>G]TATAGTTATTGTCTTCATACCAGTTGAAGGAGAGCACCCGAGAGCCACCTCCCTCGGGGT-3'
Protein context (NP_000341.2, residues 336-356): SFNWYEDNNY[Lys346Thr]AFLGIDSTRK